The following is an entry in ClinVar:

ClinVar aggregate classification (germline): Uncertain significance. Review status: criteria provided, multiple submitters, no conflicts (2 of 4 stars). 3 submissions from 3 submitters: Uncertain significance (3). Last evaluated 2022-08-16.

Conditions:
Glycine encephalopathy 2 (GCE2). Identifiers: MedGen C5830559, MONDO:0958192, OMIM 620398.
Glycine encephalopathy. Also called: Non-ketotic hyperglycinemia; Nonketotic hyperglycinemia. Identifiers: Orphanet 407, MedGen C0751748, MONDO:0011612, HP:0008288.

Allele frequency attached by ClinVar (database versions not stated): TOPMed 0.00006.

Submissions (3):

Labcorp Genetics (formerly Invitae), Labcorp
Classification: Uncertain significance for Glycine encephalopathy. Last evaluated: 2022-08-16. Review status: criteria provided, single submitter. Criteria: Invitae Variant Classification Sherloc (09022015). Collection method: clinical testing. Allele origin: germline.
Comment: This sequence change replaces threonine, which is neutral and polar, with isoleucine, which is neutral and non-polar, at codon 120 of the AMT protein (p.Thr120Ile). This variant is present in population databases (rs766350668, gnomAD 0.01%). This variant has not been reported in the literature in individuals affected with AMT-related conditions. ClinVar contains an entry for this variant (Variation ID: 252487). Algorithms developed to predict the effect of missense changes on protein structure and function are either unavailable or do not agree on the potential impact of this missense change (SIFT: "Tolerated"; PolyPhen-2: "Probably Damaging"; Align-GVGD: "Class C0"). In summary, the available evidence is currently insufficient to determine the role of this variant in disease. Therefore, it has been classified as a Variant of Uncertain Significance.

Genomic Diagnostic Laboratory, Division of Genomic Diagnostics, Children's Hospital of Philadelphia
Classification: Uncertain significance. Last evaluated: 2015-10-12. Review status: criteria provided, single submitter. Criteria: DGD Variant Analysis Guidelines. Collection method: clinical testing. Allele origin: unknown.

Juno Genomics, Hangzhou Juno Genomics, Inc
Classification: Uncertain significance for Glycine encephalopathy 2. Review status: criteria provided, single submitter. Criteria: ACMG Guidelines, 2015. Collection method: clinical testing. Allele origin: germline.
Comment: Absent from controls (or at extremely low frequency if recessive) in Genome Aggregation Database.;Multiple lines of computational evidence support a deleterious effect on the gene or gene product.

NM_000481.4(AMT):c.359C>T (p.Thr120Ile)

Gene: AMT (aminomethyltransferase; minus strand). Cytogenetic location: 3p21.31.
Variant type: single nucleotide variant.
Coding change: c.359C>T on transcript NM_000481.4 (MANE Select); coding-DNA position 359, C replaced by T.
Protein change: p.Thr120Ile; replaces threonine 120 with isoleucine.
Molecular consequence: missense variant. On other transcripts: non-coding transcript variant (1), intron variant (1).
Genome position (GRCh38, 1-based): chr3:49,420,323, G>A on the plus strand (C>T on the coding strand, the complement: AMT is on the minus strand). VCF-style: chr3-49420323-G-A. GRCh37 (hg19) VCF-style: chr3-49457756-G-A.
Other names: c.191C>T, p.Thr64Ile (NM_001164711.2); c.359C>T, p.Thr120Ile (NM_001164712.2); c.340-535C>T (NM_001164710.2); short protein forms T120I, T64I.
Identifiers: ClinVar variation 252487 (VCV000252487.6), dbSNP rs766350668, ClinGen allele CA2398386.